The following is an entry in ClinVar:

NM_004275.5(MED20):c.635G>A (p.Arg212His)

Gene: MED20 (mediator complex subunit 20; minus strand). Cytogenetic location: 6p21.1.
Variant type: single nucleotide variant.
Coding change: c.635G>A on transcript NM_004275.5 (MANE Select); coding-DNA position 635, G replaced by A.
Protein change: p.Arg212His; replaces arginine 212 with histidine.
Molecular consequence: missense variant. On other transcripts: 3 prime UTR variant (1), non-coding transcript variant (1).
Genome position (GRCh38, 1-based): chr6:41,907,076, C>T on the plus strand (G>A on the coding strand, the complement: MED20 is on the minus strand). VCF-style: chr6-41907076-C-T. GRCh37 (hg19) VCF-style: chr6-41874814-C-T.
Other names: c.635G>A (NM_004275.3); c.449G>A, p.Arg150His (NM_001305455.2, NM_001305456.2); c.*187G>A (NM_001305457.2); short protein forms R212H, R150H.
Identifiers: ClinVar variation 3003108 (VCV003003108.4), dbSNP rs140272550, ClinGen allele CA3803537.

ClinVar aggregate classification (germline): Uncertain significance. Review status: criteria provided, multiple submitters, no conflicts (2 of 4 stars). 2 submissions from 2 submitters: Uncertain significance (2). Last evaluated 2025-06-03.

Allele frequency attached by ClinVar (database versions not stated): gnomAD exomes 0.00001; gnomAD 0.00002; TOPMed 0.00002; ExAC 0.00004; ESP Exome Variant Server 0.00008.
gnomAD v4.1: 23 of 1,613,058 alleles (0.0014%); highest among the groups gnomAD compares: South Asian, 0.014%; no homozygotes.

Submissions (2):

Ambry Genetics
Classification: Uncertain significance. Last evaluated: 2025-06-03. Review status: criteria provided, single submitter. Criteria: Ambry Variant Classification Scheme 2023. Collection method: clinical testing. Allele origin: germline.

Labcorp Genetics (formerly Invitae), Labcorp
Classification: Uncertain significance. Last evaluated: 2024-02-26. Review status: criteria provided, single submitter. Criteria: Invitae Variant Classification Sherloc (09022015). Collection method: clinical testing. Allele origin: germline.
Comment: This sequence change replaces arginine, which is basic and polar, with histidine, which is basic and polar, at codon 212 of the MED20 protein (p.Arg212His). This variant is present in population databases (rs140272550, gnomAD 0.01%). This variant has not been reported in the literature in individuals affected with MED20-related conditions. An algorithm developed to predict the effect of missense changes on protein structure and function (PolyPhen-2) suggests that this variant is likely to be disruptive. In summary, the available evidence is currently insufficient to determine the role of this variant in disease. Therefore, it has been classified as a Variant of Uncertain Significance.